The following is an entry in ClinVar:

NM_004369.4(COL6A3):c.2502C>G (p.Ser834Arg)

Gene: COL6A3 (collagen type VI alpha 3 chain; minus strand). Cytogenetic location: 2q37.3.
Variant type: single nucleotide variant.
Coding change: c.2502C>G on transcript NM_004369.4 (MANE Select); coding-DNA position 2502, C replaced by G.
Protein change: p.Ser834Arg; replaces serine 834 with arginine.
Molecular consequence: missense variant.
Genome position (GRCh38, 1-based): chr2:237,377,340, G>C on the plus strand (C>G on the coding strand, the complement: COL6A3 is on the minus strand). VCF-style: chr2-237377340-G-C. GRCh37 (hg19) VCF-style: chr2-238285983-G-C.
Other names: c.1281C>G, p.Ser427Arg (NM_057164.5); c.1884C>G, p.Ser628Arg (NM_057165.5, NM_057167.4); c.681C>G, p.Ser227Arg (NM_057166.5); short protein forms S834R, S427R, S628R, S227R.
Identifiers: ClinVar variation 476510 (VCV000476510.9), dbSNP rs767437328, ClinGen allele CA2189383.

ClinVar aggregate classification (germline): Uncertain significance (1 of 4 stars; one submission).

Conditions:
Bethlem myopathy 1A. Also called: Bethlem Muscular Dystrophy; MYOPATHY, BENIGN CONGENITAL, WITH CONTRACTURES; Bethlem myopathy 1. Identifiers: Orphanet 610, MedGen CN029274, MONDO:0024530, OMIM 158810.

Allele frequency attached by ClinVar (database versions not stated): gnomAD exomes below 0.00001; ExAC 0.00001.
gnomAD v4.1: 2 of 1,599,912 alleles (0.00013%); highest among the groups gnomAD compares: South Asian, 0.0011%; no homozygotes.

Submission:

Labcorp Genetics (formerly Invitae), Labcorp
Classification: Uncertain significance for Bethlem myopathy 1A. Last evaluated: 2017-06-27. Review status: criteria provided, single submitter. Criteria: Invitae Variant Classification Sherloc (09022015). Collection method: clinical testing. Allele origin: germline.
Comment: This sequence change replaces serine with arginine at codon 834 of the COL6A3 protein (p.Ser834Arg). The serine residue is moderately conserved and there is a moderate physicochemical difference between serine and arginine. This variant is present in population databases (rs767437328, ExAC 0.006%). This variant has not been reported in the literature in individuals with COL6A3-related disease. Algorithms developed to predict the effect of missense changes on protein structure and function do not agree on the potential impact of this missense change (SIFT: "Tolerated"; PolyPhen-2: "Possibly Damaging"; Align-GVGD: "Class C15"). In summary, the available evidence is currently insufficient to determine the role of this variant in disease. Therefore, it has been classified as a Variant of Uncertain Significance.